The following is an entry in ClinVar:

ClinVar aggregate classification (germline): Likely benign. Review status: criteria provided, multiple submitters, no conflicts (2 of 4 stars). 2 submissions from 2 submitters: Likely benign (2). Last evaluated 2025-10-28.

Allele frequency attached by ClinVar (database versions not stated): ExAC 0.00001; gnomAD exomes 0.00001; ESP Exome Variant Server 0.00008; gnomAD 0.00009; TOPMed 0.00015.
gnomAD v4.1: 44 of 1,613,978 alleles (0.0027%); highest among the groups gnomAD compares: African/African-American, 0.04%; no homozygotes.

Submissions (2):

Mayo Clinic Laboratories, Mayo Clinic
Classification: Likely benign. Last evaluated: 2025-10-28. Review status: criteria provided, single submitter. Criteria: ACMG Guidelines, 2015. Collection method: clinical testing. Allele origin: germline. Observed: 1 variant allele.
Comment: BP4, BP7

Labcorp Genetics (formerly Invitae), Labcorp
Classification: Likely benign. Last evaluated: 2025-10-24. Review status: criteria provided, single submitter. Criteria: Invitae Variant Classification Sherloc (09022015). Collection method: clinical testing. Allele origin: germline.

NM_000037.4(ANK1):c.1944A>G (p.Ala648=)

Gene: ANK1 (ankyrin 1; minus strand). Cytogenetic location: 8p11.21.
Variant type: single nucleotide variant.
Coding change: c.1944A>G on transcript NM_000037.4 (MANE Select); coding-DNA position 1944, A replaced by G.
Protein change: p.Ala648=; no amino-acid change (alanine 648 retained).
Molecular consequence: synonymous variant.
Genome position (GRCh38, 1-based): chr8:41,708,832, T>C on the plus strand (A>G on the coding strand, the complement: ANK1 is on the minus strand). VCF-style: chr8-41708832-T-C. GRCh37 (hg19) VCF-style: chr8-41566350-T-C.
Other names: p.Ala648=; c.1944A>G, p.Ala648= (NM_020475.3, NM_020476.3, NM_020477.3); c.2043A>G, p.Ala681= (NM_001142446.2).
Identifiers: ClinVar variation 2970202 (VCV002970202.4), dbSNP rs367977787, ClinGen allele CA4728423.